The following is an entry in ClinVar:

NM_001005242.3(PKP2):c.2018C>T (p.Pro673Leu)

Gene: PKP2 (plakophilin 2; minus strand). Cytogenetic location: 12p11.21.
Variant type: single nucleotide variant.
Coding change: c.2018C>T on transcript NM_001005242.3 (MANE Select); coding-DNA position 2018, C replaced by T.
Protein change: p.Pro673Leu; replaces proline 673 with leucine.
Molecular consequence: missense variant.
Genome position (GRCh38, 1-based): chr12:32,802,552, G>A on the plus strand (C>T on the coding strand, the complement: PKP2 is on the minus strand). VCF-style: chr12-32802552-G-A. GRCh37 (hg19) VCF-style: chr12-32955486-G-A.
Other names: c.2150C>T, p.Pro717Leu (NM_004572.4); short protein forms P673L, P717L.
Identifiers: ClinVar variation 374966 (VCV000374966.29), dbSNP rs144018320, ClinGen allele CA033159.
Genomic context (GRCh38, chr12:32,802,552, plus strand): 5'-ATCTTTCGGGTGTGCTGCAGGCCACTTTCCTTCTGGACAACTGTCTGAGCCACTGATGTC[G>A]GCATCTGTTTTGTGAGACATATCCTATAAGTGCTATTGTATTTGATTTCACGATAACATT-3'
Protein context (NP_001005242.2, residues 663-683): QNLTAGSGPM[Pro673Leu]TSVAQTVVQK

ClinVar aggregate classification (germline): Conflicting classifications of pathogenicity. Review status: criteria provided, conflicting classifications (1 of 4 stars). 9 submissions from 9 submitters: Uncertain significance (3); Likely benign (5). 1 of the submissions does not count toward it. Last evaluated 2026-01-24.

Conditions:
Arrhythmogenic right ventricular dysplasia 9 (ARVD9). Also called: ARRHYTHMOGENIC RIGHT VENTRICULAR DYSPLASIA, FAMILIAL, 9; Arrhythmogenic Right Ventricular Dysplasia/Cardiomyopathy 9. Identifiers: MedGen C1836906, MONDO:0012180, OMIM 609040.
Cardiovascular phenotype. Identifiers: MedGen CN230736.
Cardiomyopathy (CMYO). Also called: Cardiomyopathies. Identifiers: Orphanet 167848, MedGen C0878544, MONDO:0004994, HP:0001638. Inheritance: Various modes of inheritance.

Allele frequency attached by ClinVar (database versions not stated): TOPMed 0.00003; gnomAD 0.00004 and 0.00012; 1000 Genomes Project 30x 0.00047; 1000 Genomes Project 0.00060.
gnomAD v4.1: 295 of 1,613,766 alleles (0.018%); highest among the groups gnomAD compares: East Asian, 0.64%; 1 homozygote.

Submissions (9):

Labcorp Genetics (formerly Invitae), Labcorp
Classification: Likely benign for Arrhythmogenic right ventricular dysplasia 9. Last evaluated: 2026-01-24. Review status: criteria provided, single submitter. Criteria: Invitae Variant Classification Sherloc (09022015). Collection method: clinical testing. Allele origin: germline.

GeneDx
Classification: Uncertain significance. Last evaluated: 2025-06-11. Review status: criteria provided, single submitter. Criteria: GeneDx Variant Classification Process June 2021. Collection method: clinical testing. Allele origin: germline. Affected: yes.
Comment: In silico analysis supports that this missense variant has a deleterious effect on protein structure/function; This variant is associated with the following publications: (PMID: 29178656, 27005929, 23514727, 22214898)

Blueprint Genetics
Classification: Likely benign. Last evaluated: 2024-07-26. Review status: criteria provided, single submitter. Criteria: ACMG Guidelines, 2015. Collection method: clinical testing. Allele origin: germline.

Women's Health and Genetics/Laboratory Corporation of America, LabCorp
Classification: Likely benign. Last evaluated: 2023-05-17. Review status: criteria provided, single submitter. Criteria: LabCorp Variant Classification Summary - May 2015. Collection method: clinical testing. Allele origin: germline.
Comment: Variant summary: PKP2 c.2150C>T (p.Pro717Leu) results in a non-conservative amino acid change in the encoded protein sequence. Four of five in-silico tools predict a damaging effect of the variant on protein function. The variant allele was found at a frequency of 0.0033 in 328700 control chromosomes, including 9 homozygotes (gnomAD and jMorp databases (Tadaka_2021). The observed variant frequency is approximately 5.02 fold of the estimated maximal expected allele frequency for a pathogenic variant in PKP2 causing Arrhythmogenic Right Ventricular Dysplasia/Cardiomyopathy phenotype (0.00065), strongly suggesting that the variant is benign. c.2150C>T has been reported in the literature in individuals affected with Arrhythmogenic Right Ventricular Dysplasia/Cardiomyopathy, however without strong evidence for causality (e.g., Nakajima_2012, Wada_2017). These reports therefore do not provide unequivocal conclusions about association of the variant with Arrhythmogenic Right Ventricular Dysplasia/Cardiomyopathy. The following publications have been ascertained in the context of this evaluation (PMID: 33179747, 22214898, 29178656). Six ClinVar submitters (evaluation after 2014) have reported the variant with conflicting assessments: 3 classified the variant as likely benign, and 3 classified the variant as uncertain significance. Based on the evidence outlined above, the variant was classified as likely benign.

Ambry Genetics
Classification: Likely benign for Cardiovascular phenotype. Last evaluated: 2019-06-18. Review status: criteria provided, single submitter. Criteria: Ambry Variant Classification Scheme 2023. Collection method: clinical testing. Allele origin: germline.

Illumina Laboratory Services, Illumina
Classification: Uncertain significance for Arrhythmogenic right ventricular dysplasia 9. Last evaluated: 2018-10-26. Review status: criteria provided, single submitter. Criteria: ICSL Variant Classification Criteria 13 December 2019. Collection method: clinical testing. Allele origin: germline.
Comment: This variant was observed as part of a predisposition screen in an ostensibly healthy population. A literature search was performed for the gene, cDNA change, and amino acid change (where applicable). Publications were found based on this search. However, the evidence from the literature, in combination with allele frequency data from public databases where available, was not sufficient to rule this variant in or out of causing disease. Therefore, this variant is classified as a variant of unknown significance.

Color Diagnostics, LLC DBA Color Health
Classification: Likely benign for Cardiomyopathy. Last evaluated: 2018-10-03. Review status: criteria provided, single submitter. Criteria: ACMG Guidelines, 2015. Collection method: clinical testing. Allele origin: germline.

Laboratory for Molecular Medicine, Mass General Brigham Personalized Medicine
Classification: Uncertain significance. Last evaluated: 2017-05-16. Review status: criteria provided, single submitter. Criteria: LMM Criteria. Collection method: clinical testing. Allele origin: germline. Observed: 1 variant allele.
Comment: The p.Pro717Leu variant in PKP2 has been reported in 1 adult with arrhythmogenic right ventricular cardiomyopathy (AVRC) (Ohno 2013). This variant has also been identified in 0.1% (24/18868) of East Asian chromosomes by the Genome Aggregati on Database (gnomAD; dbSNP rs144018320). This variant has been reported in Clinvar: (Variant ID 374966) with conflicting inter pretations. Computational prediction tools and conservation analysis suggest tha t the p.Pro717Leu variant may impact the protein, though this information is not predictive enough to determine pathogenicity. In summary, the clinical signifi cance of the p.Pro717Leu variant is uncertain.

Knight Diagnostic Laboratories, Oregon Health and Sciences University
Classification: Uncertain significance for Arrhythmogenic right ventricular dysplasia 9. Last evaluated: 2016-03-30. Review status: no assertion criteria provided. Criteria: ACMG Guidelines, 2015. Collection method: clinical testing. Allele origin: germline. Affected: no. Study: CSER-NextGen. Not counted in ClinVar's aggregate classification.

Literature cited by the submitters: PubMed 22214898 (cited by 3 submitters); PubMed 29178656 (cited by Women's Health and Genetics/Laboratory Corporation of America, LabCorp); PubMed 33179747 (cited by Women's Health and Genetics/Laboratory Corporation of America, LabCorp); PubMed 23514727 (cited by 3 submitters); PubMed 27005929 (cited by Ambry Genetics and Illumina Laboratory Services, Illumina).